The following is an entry in ClinVar:

ClinVar aggregate classification (germline): Conflicting classifications of pathogenicity. Review status: criteria provided, conflicting classifications (1 of 4 stars). 7 submissions from 7 submitters: Uncertain significance (6); Likely benign (1). Last evaluated 2025-11-21.

Conditions:
Malignant hyperthermia, susceptibility to, 1 (MHS1). Also called: Malignant hyperthermia suceptibility 1; RYR1-Related Malignant Hyperthermia Susceptibility; Anesthesia related hyperthermia; Malignant hyperpyrexia; Fulminating hyperpyrexia; Pharmacogenic myopathy. Identifiers: Orphanet 423, MedGen C2930980, MONDO:0007783, OMIM 145600.
RYR1-related disorder. Also called: RYR1-related condition; RYR1-related disorders. Identifiers: MedGen CN239331.

Allele frequency attached by ClinVar (database versions not stated): 1000 Genomes Project 30x 0.00031.
gnomAD v4.1: 27 of 1,614,096 alleles (0.0017%); highest among the groups gnomAD compares: Admixed American, 0.045%; no homozygotes.

Submissions (7):

Labcorp Genetics (formerly Invitae), Labcorp
Classification: Likely benign for RYR1-related disorder. Last evaluated: 2025-11-21. Review status: criteria provided, single submitter. Criteria: Invitae Variant Classification Sherloc (09022015). Collection method: clinical testing. Allele origin: germline.

PreventionGenetics, part of Exact Sciences
Classification: Uncertain significance for RYR1-related condition. Last evaluated: 2025-03-20. Review status: criteria provided, single submitter. Criteria: ACMG Guidelines, 2015. Collection method: clinical testing. Allele origin: germline.
Comment: The RYR1 c.10097G>T variant is predicted to result in the amino acid substitution p.Arg3366Leu. This variant has been reported as a maternally inherited variant, in an individual with cardiomyopathy, gastroesophageal reflux, generalized hypotonia, glaucoma, limb-girdle muscle weakness, muscle weakness, obesity, obstructive sleep apnea, panhypopituitarism, and specific learning disability (Table S2, Ji et al. 2019. PubMed ID: 30755392). This variant is reported in 0.075% of alleles in individuals of Latino descent in gnomAD. At this time, the clinical significance of this variant is uncertain due to the absence of conclusive functional and genetic evidence.

All of Us Research Program, National Institutes of Health
Classification: Uncertain significance for Malignant hyperthermia, susceptibility to, 1. Last evaluated: 2024-09-23. Review status: criteria provided, single submitter. Criteria: ACMG Guidelines, 2015. Collection method: clinical testing. Allele origin: germline. Inheritance: Autosomal dominant inheritance. Observed: 10 variant alleles, 10 heterozygotes.
Comment: This missense variant replaces arginine with leucine at codon 3366 of the RYR1 protein. Computational prediction suggests that this variant may not impact protein structure and function (internally defined REVEL score threshold <= 0.6, PMID: 27666373). To our knowledge, functional studies have not been reported for this variant. This variant has not been reported in individuals affected with autosomal dominant malignant hyperthermia in the literature, although it has been reported in other phenotype(s) (ClinVar variation ID: 598974). This variant has been identified in 26/251008 chromosomes in the general population by the Genome Aggregation Database (gnomAD). Due to insufficient evidence, this variant is classified as a Variant of Uncertain Significance for autosomal dominant malignant hyperthermia.

This study involves interpretation of variants in research participants for the purpose of population health screening. Participant phenotype was not available at the time of variant classification. Additional details can be found in publication PMID: 35346344, PMCID: PMC8962531

Color Diagnostics, LLC DBA Color Health
Classification: Uncertain significance for Malignant hyperthermia, susceptibility to, 1. Last evaluated: 2023-11-16. Review status: criteria provided, single submitter. Criteria: ACMG Guidelines, 2015. Collection method: clinical testing. Allele origin: germline.
Comment: This missense variant replaces arginine with leucine at codon 3366 of the RYR1 protein. Computational prediction suggests that this variant may not impact protein structure and function. To our knowledge, functional studies have not been reported for this variant. This variant has not been reported in individuals affected with autosomal dominant malignant hyperthermia in the literature, although it has been reported in other phenotype(s) (ClinVar variation ID: 598974). This variant has been identified in 26/251008 chromosomes in the general population by the Genome Aggregation Database (gnomAD). Due to insufficient evidence, this variant is classified as a Variant of Uncertain Significance for autosomal dominant malignant hyperthermia.

GeneDx
Classification: Uncertain significance. Last evaluated: 2023-03-30. Review status: criteria provided, single submitter. Criteria: GeneDx Variant Classification Process June 2021. Collection method: clinical testing. Allele origin: germline. Affected: yes.
Comment: Reported as a single heterozygous variant on exome sequencing in a patient in published literature with cardiomyopathy, hypotonia, learning disability, limb-girdle muscle weakness, glaucoma, and panhypopituitarism, but the variant was inherited from the mother with no clinical information provided (Ji et al., 2019); In silico analysis supports that this missense variant has a deleterious effect on protein structure/function; This variant is associated with the following publications: (PMID: 30755392)

Revvity Omics, Revvity
Classification: Uncertain significance. Last evaluated: 2022-05-12. Review status: criteria provided, single submitter. Criteria: ACMG Guidelines, 2015. Collection method: clinical testing. Allele origin: germline.

Center for Personalized Medicine, Children's Hospital Los Angeles
Classification: Uncertain significance. Last evaluated: 2018-11-19. Review status: criteria provided, single submitter. Criteria: ACMG Guidelines, 2015. Collection method: clinical testing. Allele origin: germline. Affected: yes.

NM_000540.3(RYR1):c.10097G>T (p.Arg3366Leu)

Gene: RYR1 (ryanodine receptor 1; plus strand). Cytogenetic location: 19q13.2.
Variant type: single nucleotide variant.
Coding change: c.10097G>T on transcript NM_000540.3 (MANE Select); coding-DNA position 10097, G replaced by T.
Protein change: p.Arg3366Leu; replaces arginine 3366 with leucine.
Molecular consequence: missense variant.
Genome position (GRCh38, 1-based): chr19:38,519,292, G>T. VCF-style: chr19-38519292-G-T. GRCh37 (hg19) VCF-style: chr19-39009932-G-T.
Other names: c.10097G>T, p.Arg3366Leu (NM_001042723.2); short protein forms R3366L.
Identifiers: ClinVar variation 598974 (VCV000598974.21), dbSNP rs137932199, ClinGen allele CA052364.